The following is an entry in ClinVar:

ClinVar aggregate classification (germline): Uncertain significance (1 of 4 stars; one submission).

Conditions:
Hereditary cancer-predisposing syndrome. Also called: Neoplastic Syndromes, Hereditary; Tumor predisposition; Hereditary Cancer Syndrome; Hereditary neoplastic syndrome. Identifiers: Orphanet 140162, MedGen C0027672, MeSH D009386, MONDO:0015356.

Submission:

Ambry Genetics
Classification: Uncertain significance for Hereditary cancer-predisposing syndrome. Last evaluated: 2026-02-23. Review status: criteria provided, single submitter. Criteria: Ambry Variant Classification Scheme 2023. Collection method: clinical testing. Allele origin: germline.
Comment: The p.L322I variant (also known as c.964C>A), located in coding exon 9 of the APC gene, results from a C to A substitution at nucleotide position 964. The leucine at codon 322 is replaced by isoleucine, an amino acid with highly similar properties. This amino acid position is conserved. In addition, in silico predictors for this gene do not accurately predict pathogenicity. Based on the available evidence, the clinical significance of this variant remains unclear.

NM_000038.6(APC):c.964C>A (p.Leu322Ile)

Gene: APC (APC regulator of Wnt signaling pathway; plus strand). Cytogenetic location: 5q22.2.
Variant type: single nucleotide variant.
Coding change: c.964C>A on transcript NM_000038.6 (MANE Select); coding-DNA position 964, C replaced by A.
Protein change: p.Leu322Ile; replaces leucine 322 with isoleucine.
Molecular consequence: missense variant. On other transcripts: intron variant (15), non-coding transcript variant (2).
Genome position (GRCh38, 1-based): chr5:112,818,996, C>A. VCF-style: chr5-112818996-C-A. GRCh37 (hg19) VCF-style: chr5-112154693-C-A.
Other names: c.964C>A, p.Leu322Ile (NM_001354896.2, NM_001407447.1, NM_001127510.3 and 4 more transcripts); c.994C>A, p.Leu332Ile (NM_001354897.2, NM_001407446.1); c.889C>A, p.Leu297Ile (NM_001354898.2, NM_001407451.1); c.880C>A, p.Leu294Ile (NM_001354899.2, NM_001407452.1); c.787C>A, p.Leu263Ile (NM_001354900.2, NM_001354901.2, NM_001407453.1); c.115C>A, p.Leu39Ile (NM_001354906.2, NM_001407470.1); c.934-273C>A (NM_001407460.1, NM_001407457.1, NM_001407458.1 and 5 more transcripts); c.850-273C>A (NM_001407469.1, NM_001407467.1); and 5 more; short protein forms L294I, L304I, L39I, L263I, L297I, L332I, L322I.
Identifiers: ClinVar variation 4837912 (VCV004837912.1).